The following is an entry in ClinVar:

NM_001170629.2(CHD8):c.5749G>A (p.Gly1917Ser)

Gene: CHD8 (chromodomain helicase DNA binding protein 8; minus strand). Cytogenetic location: 14q11.2.
Variant type: single nucleotide variant.
Coding change: c.5749G>A on transcript NM_001170629.2 (MANE Select); coding-DNA position 5749, G replaced by A.
Protein change: p.Gly1917Ser; replaces glycine 1917 with serine.
Molecular consequence: missense variant.
Genome position (GRCh38, 1-based): chr14:21,394,046, C>T on the plus strand (G>A on the coding strand, the complement: CHD8 is on the minus strand). VCF-style: chr14-21394046-C-T. GRCh37 (hg19) VCF-style: chr14-21862205-C-T.
Other names: c.4912G>A, p.Gly1638Ser (NM_020920.4); short protein forms G1917S, G1638S.
Identifiers: ClinVar variation 931928 (VCV000931928.3), dbSNP rs1887663294, ClinGen allele CA388881320.

ClinVar aggregate classification (germline): Uncertain significance (1 of 4 stars; one submission).

Conditions:
Intellectual developmental disorder with autism and macrocephaly. Also called: CHD8-Related Neurodevelopmental Disorder with Overgrowth; Autism, susceptibility to, 18. Identifiers: Orphanet 642675, MedGen C3554373, MONDO:0014017, OMIM 615032.

Submission:

Centre for Mendelian Genomics, University Medical Centre Ljubljana
Classification: Uncertain significance for Intellectual developmental disorder with autism and macrocephaly. Last evaluated: 2019-08-16. Review status: criteria provided, single submitter. Criteria: ACMG Guidelines, 2015. Collection method: clinical testing. Allele origin: unknown. Affected: yes.
Comment: This variant was classified as: Uncertain significance. The available evidence on this variant's pathogenicity is insufficient or conflicting. The following ACMG criteria were applied in classifying this variant: PM2.